The following is an entry in ClinVar:

NM_001197104.2(KMT2A):c.11674G>T (p.Asp3892Tyr)

Genes: KMT2A (lysine methyltransferase 2A; plus strand), TTC36-AS1 (TTC36 and KMT2A antisense RNA 1; minus strand). Cytogenetic location: 11q23.3.
Variant type: single nucleotide variant.
Coding change: c.11674G>T on transcript NM_001197104.2 (MANE Select); coding-DNA position 11674, G replaced by T.
Protein change: p.Asp3892Tyr; replaces aspartic acid 3892 with tyrosine.
Molecular consequence: missense variant.
Genome position (GRCh38, 1-based): chr11:118,521,927, G>T. VCF-style: chr11-118521927-G-T. GRCh37 (hg19) VCF-style: chr11-118392642-G-T.
Other names: c.11764G>T, p.Asp3922Tyr (NM_001412597.1); c.11665G>T, p.Asp3889Tyr (NM_005933.4); short protein forms D3889Y, D3892Y, D3922Y.
Identifiers: ClinVar variation 3378180 (VCV003378180.1).

ClinVar aggregate classification (germline): Uncertain significance (1 of 4 stars; one submission).

gnomAD v4.1: 1 of 1,614,048 alleles (0.000062%); highest among the groups gnomAD compares: South Asian, 0.0011%; no homozygotes.

Submission:

GeneDx
Classification: Uncertain significance. Last evaluated: 2024-05-13. Review status: criteria provided, single submitter. Criteria: GeneDx Variant Classification Process June 2021. Collection method: clinical testing. Allele origin: germline. Affected: yes.
Comment: Not observed at significant frequency in large population cohorts (gnomAD); In silico analysis supports that this missense variant has a deleterious effect on protein structure/function; Has not been previously published as pathogenic or benign to our knowledge